The following is an entry in ClinVar:

NM_001005242.3(PKP2):c.1379-1979A>G

Gene: PKP2 (plakophilin 2; minus strand). Cytogenetic location: 12p11.21.
Variant type: single nucleotide variant.
Coding change: c.1379-1979A>G on transcript NM_001005242.3 (MANE Select); 1979 bases into the intron before coding-DNA position 1379, A replaced by G.
Molecular consequence: intron variant. On other transcripts: missense variant (2).
Genome position (GRCh38, 1-based): chr12:32,843,184, T>C on the plus strand (A>G on the coding strand, the complement: PKP2 is on the minus strand). VCF-style: chr12-32843184-T-C. GRCh37 (hg19) VCF-style: chr12-32996118-T-C.
Other names: c.1508A>G, p.His503Arg (NM_001407157.1, NM_004572.4); c.1379-1979A>G (NM_001407156.1, NM_001407155.1, NM_001407161.1); c.1052-1979A>G (NM_001407160.1, NM_001407159.1, NM_001407158.1 and 1 more transcripts); short protein forms H503R.
Identifiers: ClinVar variation 4756235 (VCV004756235.2).

ClinVar aggregate classification (germline): Conflicting classifications of pathogenicity. Review status: criteria provided, conflicting classifications (1 of 4 stars). 2 submissions from 2 submitters: Uncertain significance (1); Likely benign (1). Last evaluated 2026-01-19.

Conditions:
Arrhythmogenic right ventricular dysplasia 9 (ARVD9). Also called: Arrhythmogenic Right Ventricular Dysplasia/Cardiomyopathy 9; ARRHYTHMOGENIC RIGHT VENTRICULAR DYSPLASIA, FAMILIAL, 9. Identifiers: MedGen C1836906, MONDO:0012180, OMIM 609040.
Cardiomyopathy (CMYO). Also called: Cardiomyopathies. Identifiers: Orphanet 167848, MedGen C0878544, MONDO:0004994, HP:0001638. Inheritance: Various modes of inheritance.

gnomAD v4.1: 1 of 514,128 alleles (0.00019%); highest among the groups gnomAD compares: Non-Finnish European, 0.00038%; no homozygotes.

Submissions (2):

Labcorp Genetics (formerly Invitae), Labcorp
Classification: Uncertain significance for Arrhythmogenic right ventricular dysplasia 9. Last evaluated: 2026-01-19. Review status: criteria provided, single submitter. Criteria: Invitae Variant Classification Sherloc (09022015). Collection method: clinical testing. Allele origin: germline.
Comment: This sequence change replaces histidine, which is basic and polar, with arginine, which is basic and polar, at codon 503 of the PKP2 protein (p.His503Arg). This variant is not present in population databases (gnomAD no frequency). This variant has not been reported in the literature in individuals affected with PKP2-related conditions. An algorithm developed to predict the effect of missense changes on protein structure and function (PolyPhen-2) suggests that this variant is likely to be tolerated. In summary, the available evidence is currently insufficient to determine the role of this variant in disease. Therefore, it has been classified as a Variant of Uncertain Significance.

Color Diagnostics, LLC DBA Color Health
Classification: Likely benign for Cardiomyopathy. Last evaluated: 2025-08-26. Review status: criteria provided, single submitter. Criteria: ACMG Guidelines, 2015. Collection method: clinical testing. Allele origin: germline.